The following is an entry in ClinVar:

NM_032444.4(SLX4):c.1499C>T (p.Thr500Met)

Gene: SLX4 (SLX4 structure-specific endonuclease subunit; minus strand). Cytogenetic location: 16p13.3.
Variant type: single nucleotide variant.
Coding change: c.1499C>T on transcript NM_032444.4 (MANE Select); coding-DNA position 1499, C replaced by T.
Protein change: p.Thr500Met; replaces threonine 500 with methionine.
Molecular consequence: missense variant.
Genome position (GRCh38, 1-based): chr16:3,597,563, G>A on the plus strand (C>T on the coding strand, the complement: SLX4 is on the minus strand). VCF-style: chr16-3597563-G-A. GRCh37 (hg19) VCF-style: chr16-3647564-G-A.
Other names: c.1499C>T (LRG_503t1); short protein forms T500M.
Identifiers: ClinVar variation 526360 (VCV000526360.12), dbSNP rs377440877, ClinGen allele CA7866503.

ClinVar aggregate classification (germline): Uncertain significance. Review status: criteria provided, multiple submitters, no conflicts (2 of 4 stars). 5 submissions from 5 submitters: Uncertain significance (5). Last evaluated 2024-09-23.

Conditions:
Fanconi anemia complementation group P. Also called: SLX4-Related Fanconi Anemia. Identifiers: Orphanet 84, MedGen C3469542, MONDO:0013499, OMIM 613951.
Fanconi anemia (FA). Also called: Fanconi's anemia. Identifiers: Orphanet 84, MedGen C0015625, MeSH D005199, MONDO:0019391.

Allele frequency attached by ClinVar (database versions not stated): gnomAD exomes 0.00005 and 0.00006; ExAC 0.00008; ESP Exome Variant Server 0.00015; gnomAD 0.00017 and 0.00019; TOPMed 0.00017.
gnomAD v4.1: 110 of 1,613,980 alleles (0.0068%); highest among the groups gnomAD compares: African/African-American, 0.035%; no homozygotes.

Submissions (5):

Blueprint Genetics
Classification: Uncertain significance. Last evaluated: 2024-09-23. Review status: criteria provided, single submitter. Criteria: ACMG Guidelines, 2015. Collection method: clinical testing. Allele origin: germline.

Fulgent Genetics
Classification: Uncertain significance for Fanconi anemia complementation group P. Last evaluated: 2024-03-08. Review status: criteria provided, single submitter. Criteria: ACMG Guidelines, 2015. Collection method: clinical testing. Allele origin: germline.

Baylor Genetics
Classification: Uncertain significance for Fanconi anemia complementation group P. Last evaluated: 2023-11-10. Review status: criteria provided, single submitter. Criteria: ACMG Guidelines, 2015. Collection method: clinical testing. Allele origin: unknown.

Labcorp Genetics (formerly Invitae), Labcorp
Classification: Uncertain significance for Fanconi anemia. Last evaluated: 2022-07-26. Review status: criteria provided, single submitter. Criteria: Invitae Variant Classification Sherloc (09022015). Collection method: clinical testing. Allele origin: germline.
Comment: This sequence change replaces threonine, which is neutral and polar, with methionine, which is neutral and non-polar, at codon 500 of the SLX4 protein (p.Thr500Met). This variant is present in population databases (rs377440877, gnomAD 0.03%). This missense change has been observed in individual(s) with breast cancer (PMID: 30613976). ClinVar contains an entry for this variant (Variation ID: 526360). Algorithms developed to predict the effect of missense changes on protein structure and function are either unavailable or do not agree on the potential impact of this missense change (SIFT: "Deleterious"; PolyPhen-2: "Probably Damaging"; Align-GVGD: "Class C0"). In summary, the available evidence is currently insufficient to determine the role of this variant in disease. Therefore, it has been classified as a Variant of Uncertain Significance.

Genetic Services Laboratory, University of Chicago
Classification: Uncertain significance. Last evaluated: 2021-06-28. Review status: criteria provided, single submitter. Criteria: ACMG Guidelines, 2015. Collection method: clinical testing. Allele origin: germline. Affected: no.
Comment: DNA sequence analysis of the SLX4 gene demonstrated a sequence change, c.1499C>T, in exon 7 that results in an amino acid change, p.Thr500Met. This sequence change has been described in the gnomAD database with a frequency of 0.028% in the African/African American subpopulation (dbSNP rs377440877). The p.Thr500Met change affects a moderately conserved amino acid residue located in a domain of the SLX4 protein that is not known to be functional. In-silico pathogenicity prediction tools (SIFT, PolyPhen2, Align GVGD, REVEL) provide contradictory results for the p.Thr500Met substitution. This sequence change does not appear to have been previously described in individuals with SLX4-related disorders. Due to insufficient evidences and the lack of functional studies, the clinical significance of the p.Thr500Met change remains unknown at this time.

Literature cited by the submitters: PubMed 30613976 (cited by Labcorp Genetics (formerly Invitae), Labcorp).